The following is an entry in ClinVar:

NC_000019.9:g.(?_1486852)_(1491383_?)del

Genes: PCSK4 (proprotein convertase subtilisin/kexin type 4; minus strand), REEP6 (receptor accessory protein 6; plus strand). Cytogenetic location: 19p13.3.
Variant type: Deletion.
Identifiers: ClinVar variation 1073440 (VCV001073440.6).

ClinVar aggregate classification (germline): Pathogenic (1 of 4 stars; one submission).

Submission:

Labcorp Genetics (formerly Invitae), Labcorp
Classification: Pathogenic. Last evaluated: 2021-08-12. Review status: criteria provided, single submitter. Criteria: Invitae Variant Classification Sherloc (09022015). Collection method: clinical testing. Allele origin: germline.
Comment: This variant is a gross deletion of the genomic region encompassing exon(s) 1 of the REEP6 gene, which includes the initiator codon. This deletion extends beyond the assayed region for this gene and therefore may encompass additional genes. It is expected to result in an absent or disrupted protein product. Loss-of-function variants in REEP6 are known to be pathogenic (PMID: 27889058, 29120066). A similar copy number variant has been observed in individual(s) with retinitis pigmentosa (PMID: 27889058). For these reasons, this variant has been classified as Pathogenic.

Literature cited by the submitters: PubMed 27889058; PubMed 29120066.